The following is an entry in ClinVar:

NM_001257291.2(SLC9A7):c.323A>G (p.Tyr108Cys)

Gene: SLC9A7 (solute carrier family 9 member A7; minus strand). Cytogenetic location: Xp11.3.
Variant type: single nucleotide variant.
Coding change: c.323A>G on transcript NM_001257291.2 (MANE Select); coding-DNA position 323, A replaced by G.
Protein change: p.Tyr108Cys; replaces tyrosine 108 with cysteine.
Molecular consequence: missense variant.
Genome position (GRCh38, 1-based): chrX:46,758,707, T>C on the plus strand (A>G on the coding strand, the complement: SLC9A7 is on the minus strand). VCF-style: chrX-46758707-T-C. GRCh37 (hg19) VCF-style: chrX-46618142-T-C.
Other names: c.323A>G, p.Tyr108Cys (NM_032591.3); short protein forms Y108C.
Identifiers: ClinVar variation 5016885 (VCV005016885.1).

ClinVar aggregate classification (germline): Uncertain significance (1 of 4 stars; one submission).

Submission:

GeneDx
Classification: Uncertain significance. Last evaluated: 2026-03-31. Review status: criteria provided, single submitter. Criteria: GeneDx Variant Classification Process June 2021. Collection method: clinical testing. Allele origin: germline.
Comment: Not observed at significant frequency in large population cohorts (gnomAD); In silico analysis supports that this missense variant has a deleterious effect on protein structure/function; Has not been previously published as pathogenic or benign to our knowledge